The following is an entry in ClinVar:

ClinVar aggregate classification (germline): Uncertain significance (1 of 4 stars; one submission).

Submission:

CeGaT Center for Human Genetics Tuebingen
Classification: Uncertain significance. Last evaluated: 2025-11-01. Review status: criteria provided, single submitter. Criteria: CeGaT Center For Human Genetics Tuebingen Variant Classification Criteria Version 2. Collection method: clinical testing. Allele origin: germline. Affected: yes. Observed: 1 variant allele.
Comment: DAG1: PM2, PP3

NM_004393.6(DAG1):c.751G>A (p.Val251Met)

Gene: DAG1 (dystroglycan 1; plus strand). Cytogenetic location: 3p21.31.
Variant type: single nucleotide variant.
Coding change: c.751G>A on transcript NM_004393.6 (MANE Select); coding-DNA position 751, G replaced by A.
Protein change: p.Val251Met; replaces valine 251 with methionine.
Molecular consequence: missense variant.
Genome position (GRCh38, 1-based): chr3:49,531,262, G>A. VCF-style: chr3-49531262-G-A. GRCh37 (hg19) VCF-style: chr3-49568695-G-A.
Other names: c.751G>A, p.Val251Met (NM_001177640.3, NM_001177641.3, NM_001177642.3 and 18 more transcripts); short protein forms V251M.
Identifiers: ClinVar variation 4534227 (VCV004534227.6).
Genomic context (GRCh38, chr3:49,531,262, plus strand): 5'-GTGAATAACAGACTATTTGACATGTCGGCCTTCATGGCTGGCCCGGGAAATGCAAAAAAG[G>A]TGGTGGAGAATGGGGCCCTTCTCTCCTGGAAGCTGGGCTGCTCCCTGAACCAGAACAGTG-3'
Protein context (NP_004384.5, residues 241-261): FMAGPGNAKK[Val251Met]VENGALLSWK